The following is an entry in ClinVar:

NM_002485.5(NBN):c.1792G>C (p.Glu598Gln)

Gene: NBN (nibrin; minus strand). Cytogenetic location: 8q21.3.
Variant type: single nucleotide variant.
Coding change: c.1792G>C on transcript NM_002485.5 (MANE Select); coding-DNA position 1792, G replaced by C.
Protein change: p.Glu598Gln; replaces glutamic acid 598 with glutamine.
Molecular consequence: missense variant.
Genome position (GRCh38, 1-based): chr8:89,953,297, C>G on the plus strand (G>C on the coding strand, the complement: NBN is on the minus strand). VCF-style: chr8-89953297-C-G. GRCh37 (hg19) VCF-style: chr8-90965525-C-G.
Other names: c.1546G>C, p.Glu516Gln (NM_001024688.3); short protein forms E516Q, E598Q.
Identifiers: ClinVar variation 3625398 (VCV003625398.2), dbSNP rs1810523605.

ClinVar aggregate classification (germline): Uncertain significance (1 of 4 stars; one submission).

Conditions:
Microcephaly, normal intelligence and immunodeficiency (NBS). Also called: Immunodeficiency, microcephaly with normal intelligence; Nijmegen breakage syndrome; Microcephaly with normal intelligence immunodeficiency and lymphoreticular malignancies; Nonsyndromal microcephaly autosomal recessive with normal intelligence; Seemanova syndrome 2; BERLIN BREAKAGE SYNDROME. Identifiers: Orphanet 647, MedGen C0398791, MONDO:0009623, OMIM 251260.

Submission:

Labcorp Genetics (formerly Invitae), Labcorp
Classification: Uncertain significance for Microcephaly, normal intelligence and immunodeficiency. Last evaluated: 2024-06-19. Review status: criteria provided, single submitter. Criteria: Invitae Variant Classification Sherloc (09022015). Collection method: clinical testing. Allele origin: germline.
Comment: This sequence change replaces glutamic acid, which is acidic and polar, with glutamine, which is neutral and polar, at codon 598 of the NBN protein (p.Glu598Gln). This variant is not present in population databases (gnomAD no frequency). This variant has not been reported in the literature in individuals affected with NBN-related conditions. An algorithm developed to predict the effect of missense changes on protein structure and function (PolyPhen-2) suggests that this variant is likely to be tolerated. In summary, the available evidence is currently insufficient to determine the role of this variant in disease. Therefore, it has been classified as a Variant of Uncertain Significance.